The following is an entry in ClinVar:

NM_001365536.1(SCN9A):c.2906G>C (p.Ser969Thr)

Genes: SCN1A-AS1 (SCN1A and SCN9A antisense RNA 1; plus strand), SCN9A (sodium voltage-gated channel alpha subunit 9; minus strand). Cytogenetic location: 2q24.3.
Variant type: single nucleotide variant.
Coding change: c.2906G>C on transcript NM_001365536.1 (MANE Select); coding-DNA position 2906, G replaced by C.
Protein change: p.Ser969Thr; replaces serine 969 with threonine.
Molecular consequence: missense variant.
Genome position (GRCh38, 1-based): chr2:166,272,844, C>G on the plus strand (G>C on the coding strand, the complement: SCN9A is on the minus strand). VCF-style: chr2-166272844-C-G. GRCh37 (hg19) VCF-style: chr2-167129354-C-G.
Other names: c.2873G>C, p.Ser958Thr (NM_002977.4); short protein forms S958T, S969T.
Identifiers: ClinVar variation 1352526 (VCV001352526.8), dbSNP rs1697063522, ClinGen allele CA349074950.

ClinVar aggregate classification (germline): Uncertain significance (1 of 4 stars; one submission).

Conditions:
Generalized epilepsy with febrile seizures plus, type 7 (GEFSP7). Also called: GEFS+, TYPE 7. Identifiers: Orphanet 36387, MedGen C2751778, MONDO:0013470, OMIM 613863.
Neuropathy, hereditary sensory and autonomic, type 2A (HSAN2A). Also called: WNK1-Related HSAN2 (HSAN2A); MORVAN DISEASE; NEUROPATHY, CONGENITAL SENSORY; NEUROPATHY, HEREDITARY SENSORY RADICULAR, AUTOSOMAL RECESSIVE; NEUROPATHY, HEREDITARY SENSORY, TYPE IIA; NEUROPATHY, PROGRESSIVE SENSORY, OF CHILDREN. Identifiers: Orphanet 970, MedGen C2752089, MONDO:0024309, OMIM 201300.

Allele frequency attached by ClinVar (database versions not stated): TOPMed below 0.00001.

Submission:

Labcorp Genetics (formerly Invitae), Labcorp
Classification: Uncertain significance for Neuropathy, hereditary sensory and autonomic, type 2A; Generalized epilepsy with febrile seizures plus, type 7. Last evaluated: 2022-11-10. Review status: criteria provided, single submitter. Criteria: Invitae Variant Classification Sherloc (09022015). Collection method: clinical testing. Allele origin: germline.
Comment: In summary, the available evidence is currently insufficient to determine the role of this variant in disease. Therefore, it has been classified as a Variant of Uncertain Significance. Algorithms developed to predict the effect of missense changes on protein structure and function (SIFT, PolyPhen-2, Align-GVGD) all suggest that this variant is likely to be disruptive. ClinVar contains an entry for this variant (Variation ID: 1352526). This variant has not been reported in the literature in individuals affected with SCN9A-related conditions. This variant is not present in population databases (gnomAD no frequency). This sequence change replaces serine, which is neutral and polar, with threonine, which is neutral and polar, at codon 958 of the SCN9A protein (p.Ser958Thr).